The following is an entry in ClinVar:

NM_006393.3(NEBL):c.153+15T>G

Gene: NEBL (nebulette; minus strand). Cytogenetic location: 10p12.31.
Variant type: single nucleotide variant.
Coding change: c.153+15T>G on transcript NM_006393.3 (MANE Select); 15 bases into the intron after coding-DNA position 153, T replaced by G.
Molecular consequence: intron variant.
Genome position (GRCh38, 1-based): chr10:20,896,943, A>C on the plus strand (T>G on the coding strand, the complement: NEBL is on the minus strand). VCF-style: chr10-20896943-A-C. GRCh37 (hg19) VCF-style: chr10-21185872-A-C.
Other names: c.249+64729T>G (NM_001377326.1, NM_001377327.1, NM_001377328.1); c.357+64729T>G (NM_213569.2, NM_001173484.2, NM_001377322.1); c.300+64729T>G (NM_001377324.1); c.291+64729T>G (NM_001377325.1); c.309+64729T>G (NM_001377323.1).
Identifiers: ClinVar variation 45482 (VCV000045482.14), dbSNP rs397517204, ClinGen allele CA136406.
Genomic context (GRCh38, chr10:20,896,943, plus strand): 5'-AGCTCTATGACTCTATAACATAATAATACCACAGGTGCAATGCAAAATAAGACAAAAATT[A>C]CTCCAGCCACTTACATCGCTAATGAGTTCCGTGCATTTTCTGGCCAATTCCATGCTTAAG-3'

ClinVar aggregate classification (germline): Benign/Likely benign. Review status: criteria provided, multiple submitters, no conflicts (2 of 4 stars). 4 submissions from 4 submitters: Benign (3); Likely benign (1). Last evaluated 2026-01-26.

Conditions:
Primary dilated cardiomyopathy (DCM). Also called: Dilated Cardiomyopathy. Identifiers: Orphanet 217604, MedGen C0007193, MeSH D002311, MONDO:0005021, HP:0001644. Inheritance: Various modes of inheritance.

Allele frequency attached by ClinVar (database versions not stated): gnomAD 0.00003 and 0.00038; TOPMed 0.00006; gnomAD exomes 0.00073 and 0.00162; ExAC 0.00180; 1000 Genomes Project 30x 0.00265; 1000 Genomes Project 0.00519.
gnomAD v4.1: 1,140 of 1,611,388 alleles (0.071%); highest among the groups gnomAD compares: South Asian, 1.1%; 17 homozygotes.

Submissions (4):

Women's Health and Genetics/Laboratory Corporation of America, LabCorp
Classification: Benign. Last evaluated: 2026-01-26. Review status: criteria provided, single submitter. Criteria: LabCorp Variant Classification Summary - May 2015. Collection method: clinical testing. Allele origin: germline.

Labcorp Genetics (formerly Invitae), Labcorp
Classification: Benign for Primary dilated cardiomyopathy. Last evaluated: 2026-01-15. Review status: criteria provided, single submitter. Criteria: Invitae Variant Classification Sherloc (09022015). Collection method: clinical testing. Allele origin: germline.

GeneDx
Classification: Benign. Last evaluated: 2014-05-23. Review status: criteria provided, single submitter. Criteria: GeneDx Variant Classification (06012015). Collection method: clinical testing. Allele origin: germline. Affected: yes.
Comment: This variant is considered likely benign or benign based on one or more of the following criteria: it is a conservative change, it occurs at a poorly conserved position in the protein, it is predicted to be benign by multiple in silico algorithms, and/or has population frequency not consistent with disease.

Laboratory for Molecular Medicine, Mass General Brigham Personalized Medicine
Classification: Likely benign. Last evaluated: 2012-11-20. Review status: criteria provided, single submitter. Criteria: LMM Criteria. Collection method: clinical testing. Allele origin: germline. Observed: 1 variant allele.
Comment: 153+15T>G in intron 2 of NEBL: This variant is not expected to have clinical sig nificance because it is not located within the splice consensus sequence. 153+ 15T>G in intron 2 of NEBL (allele frequency = n/a)